The following is an entry in ClinVar:

NM_004937.3(CTNS):c.428A>G (p.Tyr143Cys)

Genes: CTNS (cystinosin, lysosomal cystine transporter; plus strand), CTNS-AS1 (CTNS antisense RNA 1; minus strand). Cytogenetic location: 17p13.2.
Variant type: single nucleotide variant.
Coding change: c.428A>G on transcript NM_004937.3 (MANE Select); coding-DNA position 428, A replaced by G.
Protein change: p.Tyr143Cys; replaces tyrosine 143 with cysteine.
Molecular consequence: missense variant. On other transcripts: 5 prime UTR variant (4).
Genome position (GRCh38, 1-based): chr17:3,655,319, A>G. VCF-style: chr17-3655319-A-G. GRCh37 (hg19) VCF-style: chr17-3558613-A-G.
Other names: c.428A>G, p.Tyr143Cys (NM_001031681.3, NM_001374492.1); c.-14A>G (NM_001374493.1, NM_001374494.1, NM_001374495.1 and 1 more transcripts); short protein forms Y143C.
Identifiers: ClinVar variation 2925746 (VCV002925746.1), dbSNP rs750204861, ClinGen allele CA397690781.

ClinVar aggregate classification (germline): Uncertain significance (1 of 4 stars; one submission).

Conditions:
Inborn genetic diseases. Identifiers: MedGen C0950123, MeSH D030342.
Ocular cystinosis. Also called: Non-Nephropathic (Ocular) Cystinosis; Non-Nephropathic Cystinosis. Identifiers: Orphanet 213, Orphanet 411641, MedGen C2931013, MONDO:0009064, OMIM 219750.
Juvenile nephropathic cystinosis. Also called: Later-Onset (Juvenile) Cystinosis; Intermediate Cystinosis; CYSTINOSIS, LATE-ONSET JUVENILE OR ADOLESCENT NEPHROPATHIC TYPE. Identifiers: Orphanet 213, Orphanet 411634, MedGen C0268626, MONDO:0009066, OMIM 219900.

gnomAD v4.1: 18 of 1,613,844 alleles (0.0011%); highest among the groups gnomAD compares: Non-Finnish European, 0.0015%; no homozygotes.

Submission:

Labcorp Genetics (formerly Invitae), Labcorp
Classification: Uncertain significance for Inborn genetic diseases; Ocular cystinosis; Juvenile nephropathic cystinosis. Last evaluated: 2023-08-24. Review status: criteria provided, single submitter. Criteria: Invitae Variant Classification Sherloc (09022015). Collection method: clinical testing. Allele origin: germline.
Comment: This sequence change replaces tyrosine, which is neutral and polar, with cysteine, which is neutral and slightly polar, at codon 143 of the CTNS protein (p.Tyr143Cys). This variant is not present in population databases (gnomAD no frequency). This variant has not been reported in the literature in individuals affected with CTNS-related conditions. Advanced modeling of protein sequence and biophysical properties (such as structural, functional, and spatial information, amino acid conservation, physicochemical variation, residue mobility, and thermodynamic stability) performed at Invitae indicates that this missense variant is expected to disrupt CTNS protein function. In summary, the available evidence is currently insufficient to determine the role of this variant in disease. Therefore, it has been classified as a Variant of Uncertain Significance.